The following is an entry in ClinVar:

NM_005861.4(STUB1):c.613-8C>T

Genes: JMJD8 (jumonji domain containing 8; minus strand), STUB1 (STIP1 homology and U-box containing protein 1; plus strand). Cytogenetic location: 16p13.3.
Variant type: single nucleotide variant.
Coding change: c.613-8C>T on transcript NM_005861.4 (MANE Select); 8 bases into the intron before coding-DNA position 613, C replaced by T.
Molecular consequence: intron variant. On other transcripts: 3 prime UTR variant (5), non-coding transcript variant (3).
Genome position (GRCh38, 1-based): chr16:682,012, C>T. VCF-style: chr16-682012-C-T. GRCh37 (hg19) VCF-style: chr16-732012-C-T.
Other names: c.*782G>A (NM_001005920.4, NM_001323919.3, NM_001323920.3); c.*816G>A (NM_001323918.3, NM_001323922.3); c.397-8C>T (NM_001293197.2).
Identifiers: ClinVar variation 3257486 (VCV003257486.17).

ClinVar aggregate classification (germline): Uncertain significance (1 of 4 stars; one submission).

gnomAD v4.1: 1 of 1,606,776 alleles (0.000062%); highest among the groups gnomAD compares: Non-Finnish European, 0.000085%; no homozygotes.

Submission:

CeGaT Center for Human Genetics Tuebingen
Classification: Uncertain significance. Last evaluated: 2024-07-01. Review status: criteria provided, single submitter. Criteria: CeGaT Center For Human Genetics Tuebingen Variant Classification Criteria Version 2. Collection method: clinical testing. Allele origin: germline. Affected: yes. Observed: 1 variant allele.
Comment: STUB1: PM2, BP4